The following is an entry in ClinVar:

ClinVar aggregate classification (germline): Uncertain significance (1 of 4 stars; one submission).

Conditions:
Ataxia-telangiectasia syndrome (AT). Also called: Ataxia-telangiectasia, complementation group D; AT, COMPLEMENTATION GROUP C; Ataxia telangiectasia (A-T); Cerebello-oculocutaneous telangiectasia; Immunodeficiency with ataxia telangiectasia; Ataxia-telangiectasia. Identifiers: Orphanet 100, MedGen C0004135, MONDO:0008840, OMIM 208900.

Submission:

Labcorp Genetics (formerly Invitae), Labcorp
Classification: Uncertain significance for Ataxia-telangiectasia syndrome. Last evaluated: 2024-02-22. Review status: criteria provided, single submitter. Criteria: Invitae Variant Classification Sherloc (09022015). Collection method: clinical testing. Allele origin: germline.
Comment: This sequence change replaces asparagine, which is neutral and polar, with lysine, which is basic and polar, at codon 1860 of the ATM protein (p.Asn1860Lys). This variant is not present in population databases (gnomAD no frequency). This variant has not been reported in the literature in individuals affected with ATM-related conditions. ClinVar contains an entry for this variant (Variation ID: 839666). An algorithm developed to predict the effect of missense changes on protein structure and function (PolyPhen-2) suggests that this variant is likely to be tolerated. In summary, the available evidence is currently insufficient to determine the role of this variant in disease. Therefore, it has been classified as a Variant of Uncertain Significance.

NM_000051.4(ATM):c.5580T>A (p.Asn1860Lys)

Gene: ATM (ATM serine/threonine kinase; plus strand). Cytogenetic location: 11q22.3.
Variant type: single nucleotide variant.
Coding change: c.5580T>A on transcript NM_000051.4 (MANE Select); coding-DNA position 5580, T replaced by A.
Protein change: p.Asn1860Lys; replaces asparagine 1860 with lysine.
Molecular consequence: missense variant.
Genome position (GRCh38, 1-based): chr11:108,304,758, T>A. VCF-style: chr11-108304758-T-A. GRCh37 (hg19) VCF-style: chr11-108175485-T-A.
Other names: c.5580T>A, p.Asn1860Lys (NM_001351834.2); short protein forms N1860K.
Identifiers: ClinVar variation 839666 (VCV000839666.9), dbSNP rs2083598099, ClinGen allele CA382546128.